The following is an entry in ClinVar:

NM_004415.4(DSP):c.165C>G (p.Gly55=)

Genes: DSP-AS1 (DSP antisense RNA 1; minus strand), DSP (desmoplakin; plus strand). Cytogenetic location: 6p24.3.
Variant type: single nucleotide variant.
Coding change: c.165C>G on transcript NM_004415.4 (MANE Select); coding-DNA position 165, C replaced by G.
Protein change: p.Gly55=; no amino-acid change (glycine 55 retained).
Molecular consequence: synonymous variant.
Genome position (GRCh38, 1-based): chr6:7,542,080, C>G. VCF-style: chr6-7542080-C-G. GRCh37 (hg19) VCF-style: chr6-7542313-C-G.
Other names: c.165C>G, p.Gly55= (NM_001008844.3, NM_001319034.2, NM_001406591.1).
Identifiers: ClinVar variation 4245115 (VCV004245115.1).

ClinVar aggregate classification (germline): Uncertain significance (1 of 4 stars; one submission).

Conditions:
Cardiovascular phenotype. Identifiers: MedGen CN230736.

Submission:

Ambry Genetics
Classification: Uncertain significance for Cardiovascular phenotype. Last evaluated: 2025-08-05. Review status: criteria provided, single submitter. Criteria: Ambry Variant Classification Scheme 2023. Collection method: clinical testing. Allele origin: germline.
Comment: The c.165C>G variant (also known as p.G55G), located in coding exon 1 of the DSP gene, results from a C to G substitution at nucleotide position 165. This nucleotide substitution does not change the glycine at codon 55. This nucleotide position is highly conserved in available vertebrate species. In silico splice site analysis predicts that this alteration will result in the creation or strengthening of a novel splice donor site. Based on the available evidence, the clinical significance of this variant remains unclear.